The following is an entry in ClinVar:

ClinVar aggregate classification (germline): Conflicting classifications of pathogenicity. Review status: criteria provided, conflicting classifications (1 of 4 stars). 4 submissions from 4 submitters: Uncertain significance (3); Likely benign (1). Last evaluated 2023-07-03.

Conditions:
Hereditary cancer-predisposing syndrome. Also called: Tumor predisposition; Hereditary neoplastic syndrome; Neoplastic Syndromes, Hereditary; Hereditary Cancer Syndrome. Identifiers: Orphanet 140162, MedGen C0027672, MeSH D009386, MONDO:0015356.
Hereditary breast ovarian cancer syndrome. Also called: Hereditary breast and ovarian cancer syndrome (HBOC); Breast and ovarian cancer; BRCA1- and BRCA2-Associated Hereditary Breast and Ovarian Cancer; Hereditary breast and/or ovarian cancer syndrome; Hereditary breast and ovarian cancer syndrome; Hereditary breast and ovarian cancer. Identifiers: Orphanet 145, MedGen C0677776, MeSH D061325, MONDO:0003582. Disease mechanism: loss of function.

Allele frequency attached by ClinVar (database versions not stated): gnomAD exomes below 0.00001.
gnomAD v4.1: 1 of 1,614,072 alleles (0.000062%); highest among the groups gnomAD compares: East Asian, 0.0022%; no homozygotes.

Submissions (4):

Ambry Genetics
Classification: Uncertain significance for Hereditary cancer-predisposing syndrome. Last evaluated: 2023-07-03. Review status: criteria provided, single submitter. Criteria: Ambry Variant Classification Scheme 2023. Collection method: clinical testing. Allele origin: germline.
Comment: The p.I441T variant (also known as c.1322T>C), located in coding exon 9 of the BRCA1 gene, results from a T to C substitution at nucleotide position 1322. The isoleucine at codon 441 is replaced by threonine, an amino acid with similar properties. This alteration was observed with an allele frequency of 0.00028 in 7,051 unselected female breast cancer patients and was observed with an allele frequency of 0.00036 in 11,241 female controls of Japanese ancestry (Momozawa Y et al. Nat Commun, 2018 Oct;9:4083). This amino acid position is not well conserved in available vertebrate species. In addition, the in silico prediction for this alteration is inconclusive. Since supporting evidence is limited at this time, the clinical significance of this alteration remains unclear.

University of Washington Department of Laboratory Medicine, University of Washington
Classification: Likely benign for Hereditary cancer-predisposing syndrome. Last evaluated: 2023-03-23. Review status: criteria provided, single submitter. Criteria: Dines et al. (Genet Med. 2020). Collection method: curation. Allele origin: germline.
Comment: Missense variant in a coldspot region where missense variants are very unlikely to be pathogenic (PMID:31911673).

BRCA1 coldspot (exon 11 using historical exon numbering). Reclassification based on statistical prior probability

Labcorp Genetics (formerly Invitae), Labcorp
Classification: Uncertain significance for Hereditary breast ovarian cancer syndrome. Last evaluated: 2022-10-22. Review status: criteria provided, single submitter. Criteria: Invitae Variant Classification Sherloc (09022015). Collection method: clinical testing. Allele origin: germline.
Comment: In summary, the available evidence is currently insufficient to determine the role of this variant in disease. Therefore, it has been classified as a Variant of Uncertain Significance. This sequence change replaces isoleucine, which is neutral and non-polar, with threonine, which is neutral and polar, at codon 441 of the BRCA1 protein (p.Ile441Thr). This variant is not present in population databases (gnomAD no frequency). This missense change has been observed in individual(s) with breast cancer (PMID: 30287823, 30415210). ClinVar contains an entry for this variant (Variation ID: 818924). Advanced modeling of protein sequence and biophysical properties (such as structural, functional, and spatial information, amino acid conservation, physicochemical variation, residue mobility, and thermodynamic stability) performed at Invitae indicates that this missense variant is not expected to disrupt BRCA1 protein function.

Color Diagnostics, LLC DBA Color Health
Classification: Uncertain significance for Hereditary cancer-predisposing syndrome. Last evaluated: 2019-02-21. Review status: criteria provided, single submitter. Criteria: ACMG Guidelines, 2015. Collection method: clinical testing. Allele origin: germline.

Literature cited by the submitters: PubMed 30287823 (cited by Ambry Genetics and Labcorp Genetics (formerly Invitae), Labcorp); PubMed 30415210 (cited by Labcorp Genetics (formerly Invitae), Labcorp).

NM_007294.4(BRCA1):c.1322T>C (p.Ile441Thr)

Gene: BRCA1 (BRCA1 DNA repair associated; minus strand). Cytogenetic location: 17q21.31.
Variant type: single nucleotide variant.
Coding change: c.1322T>C on transcript NM_007294.4 (MANE Select); coding-DNA position 1322, T replaced by C.
Protein change: p.Ile441Thr; replaces isoleucine 441 with threonine.
Molecular consequence: missense variant. On other transcripts: intron variant (137).
Genome position (GRCh38, 1-based): chr17:43,094,209, A>G on the plus strand (T>C on the coding strand, the complement: BRCA1 is on the minus strand). VCF-style: chr17-43094209-A-G. GRCh37 (hg19) VCF-style: chr17-41246226-A-G.
Other names: c.667+1637T>C (NM_001408421.1, NM_001408431.1, NM_001408424.1); c.1181T>C, p.Ile394Thr (NM_007297.4, NM_001407692.1, NM_001407694.1 and 29 more transcripts); c.1322T>C, p.Ile441Thr (NM_001407622.1, NM_001407623.1, NM_001407624.1 and 30 more transcripts); c.784+535T>C (NM_001407991.1, NM_001408397.1, NM_001408407.1 and 13 more transcripts); c.664+535T>C (NM_001408427.1, NM_001408444.1, NM_001408438.1 and 12 more transcripts); c.523+535T>C (NM_001408496.1, NM_001408501.1, NM_001408500.1 and 3 more transcripts); c.646+535T>C (NM_001408458.1, NM_001408454.1, NM_001408469.1 and 11 more transcripts); c.283+535T>C (NM_001408512.1); and 40 more; short protein forms I441T, I394T, I273T, I374T, I399T, I415T, I313T, I353T.
Identifiers: ClinVar variation 818924 (VCV000818924.16), dbSNP rs1163497041, ClinGen allele CA10599408.